The following is an entry in ClinVar:

ClinVar aggregate classification (germline): Uncertain significance. Review status: criteria provided, multiple submitters, no conflicts (2 of 4 stars). 7 submissions from 7 submitters: Uncertain significance (6). 1 of the submissions does not count toward it. Last evaluated 2026-02-20.

Conditions:
NR2E3-related disorder. Also called: NR2E3-related disorders; NR2E3-related condition. Identifiers: MedGen CN239387.
Enhanced S-cone syndrome (ESCS). Identifiers: Orphanet 53540, MedGen C1849394, MONDO:0100288, MONDO:0009989.
Retinitis pigmentosa 37 (RP37). Identifiers: Orphanet 791, MedGen C1970163, MONDO:0012625, OMIM 611131.
Retinal dystrophy. Also called: Inherited retinal dystrophy. Identifiers: Orphanet 71862, MedGen C0854723, MeSH D058499, MONDO:0019118, HP:0000556.

Allele frequency attached by ClinVar (database versions not stated): TOPMed 0.00009; 1000 Genomes Project 30x 0.00016.
gnomAD v4.1: 197 of 1,599,378 alleles (0.012%); highest among the groups gnomAD compares: East Asian, 0.041%; 2 homozygotes.

Submissions (7):

PreventionGenetics, part of Exact Sciences
Classification: Uncertain significance for NR2E3-related condition. Last evaluated: 2026-02-20. Review status: criteria provided, single submitter. Criteria: ACMG Guidelines, 2015. Collection method: clinical testing. Allele origin: germline.
Comment: The NR2E3 c.1127C>T variant is predicted to result in the amino acid substitution p.Pro376Leu. This variant has been reported in the heterozygous state in an individual with multiple congenital anomalies (Li et al. 2016. PubMed ID: 27284308). This variant is present in 0.031% of alleles in individuals of East Asian descent in gnomAD. At this time, the clinical significance of this variant is uncertain due to the absence of conclusive functional and genetic evidence.

Labcorp Genetics (formerly Invitae), Labcorp
Classification: Uncertain significance. Last evaluated: 2026-01-15. Review status: criteria provided, single submitter. Criteria: Invitae Variant Classification Sherloc (09022015). Collection method: clinical testing. Allele origin: germline.
Comment: This sequence change replaces proline, which is neutral and non-polar, with leucine, which is neutral and non-polar, at codon 376 of the NR2E3 protein (p.Pro376Leu). This variant is present in population databases (rs527428190, gnomAD 0.03%). This variant has not been reported in the literature in individuals affected with NR2E3-related conditions. ClinVar contains an entry for this variant (Variation ID: 967520). Invitae Evidence Modeling of protein sequence and biophysical properties (such as structural, functional, and spatial information, amino acid conservation, physicochemical variation, residue mobility, and thermodynamic stability) indicates that this missense variant is not expected to disrupt NR2E3 protein function with a negative predictive value of 80%. In summary, the available evidence is currently insufficient to determine the role of this variant in disease. Therefore, it has been classified as a Variant of Uncertain Significance.

Blueprint Genetics
Classification: Uncertain significance. Last evaluated: 2024-09-17. Review status: criteria provided, single submitter. Criteria: ACMG Guidelines, 2015. Collection method: clinical testing. Allele origin: germline.

Dept Of Ophthalmology, Nagoya University
Classification: Uncertain significance for Retinal dystrophy. Last evaluated: 2023-10-01. Review status: criteria provided, single submitter. Criteria: Submitter's publication. Collection method: research. Allele origin: germline. Affected: yes.

Fulgent Genetics
Classification: Uncertain significance for ENHANCED S-CONE SYNDROME 1; Retinitis pigmentosa 37. Last evaluated: 2022-05-26. Review status: criteria provided, single submitter. Criteria: ACMG Guidelines, 2015. Collection method: clinical testing. Allele origin: unknown.

Department of Pathology and Laboratory Medicine, Sinai Health System
Classification: Uncertain significance for ENHANCED S-CONE SYNDROME 1; Retinitis pigmentosa 37. Last evaluated: 2021-10-18. Review status: criteria provided, single submitter. Criteria: ACMG Guidelines, 2015. Collection method: research. Allele origin: germline.

Natera, Inc.
Classification: Uncertain significance for Enhanced S cone syndrome. Last evaluated: 2020-01-21. Review status: no assertion criteria provided. Collection method: clinical testing. Allele origin: germline. Not counted in ClinVar's aggregate classification.

NM_014249.4(NR2E3):c.1127C>T (p.Pro376Leu)

Gene: NR2E3 (nuclear receptor subfamily 2 group E member 3; plus strand). Cytogenetic location: 15q23.
Variant type: single nucleotide variant.
Coding change: c.1127C>T on transcript NM_014249.4 (MANE Select); coding-DNA position 1127, C replaced by T.
Protein change: p.Pro376Leu; replaces proline 376 with leucine.
Molecular consequence: missense variant.
Genome position (GRCh38, 1-based): chr15:71,817,578, C>T. VCF-style: chr15-71817578-C-T. GRCh37 (hg19) VCF-style: chr15-72109919-C-T.
Other names: c.1127C>T (NM_014249.2); short protein forms P376L.
Identifiers: ClinVar variation 967520 (VCV000967520.13), dbSNP rs527428190, ClinGen allele CA7640525.